The following is an entry in ClinVar:

NM_004287.5(GOSR2):c.31C>G (p.Gln11Glu)

Genes: LRRC37A2 (leucine rich repeat containing 37 member A2), GOSR2 (golgi SNAP receptor complex member 2; plus strand). Cytogenetic location: 17q21.32.
Variant type: single nucleotide variant.
Coding change: c.31C>G on transcript NM_004287.5 (MANE Select); coding-DNA position 31, C replaced by G.
Protein change: p.Gln11Glu; replaces glutamine 11 with glutamic acid.
Molecular consequence: missense variant. On other transcripts: 5 prime UTR variant (2), non-coding transcript variant (3).
Genome position (GRCh38, 1-based): chr17:46,929,521, C>G. VCF-style: chr17-46929521-C-G. GRCh37 (hg19) VCF-style: chr17-45006887-C-G.
Other names: c.31C>G, p.Gln11Glu (NM_001012511.3, NM_001321133.2, NM_001330252.2 and 4 more transcripts); c.-24C>G (NM_001321134.2, NM_001363851.2); short protein forms Q11E.
Identifiers: ClinVar variation 1346246 (VCV001346246.8), dbSNP rs2146850344, ClinGen allele CA400015929.

ClinVar aggregate classification (germline): Uncertain significance (1 of 4 stars; one submission).

Conditions:
Progressive myoclonic epilepsy. Also called: Familial progressive myoclonic epilepsy; Myoclonic Epilepsies, Progressive; Myoclonus epilepsy; Progressive myoclonus epilepsy. Identifiers: Orphanet 308, Orphanet 98261, MedGen C0751778, MONDO:0020074.

Submission:

Labcorp Genetics (formerly Invitae), Labcorp
Classification: Uncertain significance for Progressive myoclonic epilepsy. Last evaluated: 2021-04-17. Review status: criteria provided, single submitter. Criteria: Invitae Variant Classification Sherloc (09022015). Collection method: clinical testing. Allele origin: germline.
Comment: In summary, the available evidence is currently insufficient to determine the role of this variant in disease. Therefore, it has been classified as a Variant of Uncertain Significance. Algorithms developed to predict the effect of missense changes on protein structure and function (SIFT, PolyPhen-2, Align-GVGD) all suggest that this variant is likely to be tolerated, but these predictions have not been confirmed by published functional studies and their clinical significance is uncertain. This variant has not been reported in the literature in individuals with GOSR2-related conditions. This variant is not present in population databases (ExAC no frequency). This sequence change replaces glutamine with glutamic acid at codon 11 of the GOSR2 protein (p.Gln11Glu). The glutamine residue is highly conserved and there is a small physicochemical difference between glutamine and glutamic acid.